The following is an entry in ClinVar:

ClinVar aggregate classification (germline): Pathogenic (1 of 4 stars; one submission).

Conditions:
Severe myoclonic epilepsy in infancy (DRVT). Also called: Epileptic encephalopathy, early infantile, 6 (Dravet syndrome); SEVERE MYOCLONIC EPILEPSY OF INFANCY; DEVELOPMENTAL AND EPILEPTIC ENCEPHALOPATHY 6A; Severe Myoclonic Epilepsy in Infancy (SMEI); Dravet syndrome. Identifiers: Orphanet 33069, MedGen C0751122, MONDO:0100135, OMIM 607208.

Submission:

Center for Bioinformatics, Peking University
Classification: Pathogenic for Dravet syndrome. Last evaluated: 2014-12-20. Review status: criteria provided, single submitter. Criteria: Xu et al. (Hum Mutat. 2015). Collection method: research. Allele origin: de novo. Affected: yes. Observed: 1 variant allele. Study: University Clinical Cooperation “985 Project” PKU-2014-1-1.
Comment: Dravet syndrome (DS) probands were recruited from the outpatient and inpatient child neurology units of Peking University First Hospital from 2005 till present. The study was approved by the Ethics Committee of Peking University First Hospital and the Institutional Review Board at Peking University. Participants or their parents provided written informed consent before enrollment. We collected a total of 267 mutations from 255 families with probands diagnosed with DS in China. All probands fulfilled the clinical diagnostic criteria.

NM_001165963.4(SCN1A):c.5404G>T (p.Glu1802Ter)

Genes: SCN1A (sodium voltage-gated channel alpha subunit 1; minus strand), LOC102724058 (uncharacterized LOC102724058; plus strand). Cytogenetic location: 2q24.3.
Variant type: single nucleotide variant.
Coding change: c.5404G>T on transcript NM_001165963.4 (MANE Select); coding-DNA position 5404, G replaced by T.
Protein change: p.Glu1802Ter; replaces glutamic acid 1802 with a stop codon.
Molecular consequence: nonsense. On other transcripts: non-coding transcript variant (1).
Genome position (GRCh38, 1-based): chr2:165,991,871, C>A on the plus strand (G>T on the coding strand, the complement: SCN1A is on the minus strand). VCF-style: chr2-165991871-C-A. GRCh37 (hg19) VCF-style: chr2-166848381-C-A.
Other names: c.5320G>T, p.Glu1774Ter (NM_001165964.3, NM_001353957.2, NM_001353958.2); c.5404G>T, p.Glu1802Ter (NM_001202435.3, NM_001353948.2); c.5371G>T, p.Glu1791Ter (NM_001353949.2, NM_001353950.2, NM_001353951.2 and 2 more transcripts); c.5368G>T, p.Glu1790Ter (NM_001353954.2, NM_001353955.2); c.5317G>T, p.Glu1773Ter (NM_001353960.2); c.2962G>T, p.Glu988Ter (NM_001353961.2); short protein forms E1791*, E1802*, E1774*, E988*, E1773*, E1790*.
Identifiers: ClinVar variation 189943 (VCV000189943.1), dbSNP rs794726780, ClinGen allele CA303368.